The following is an entry in ClinVar:

NM_001376.5(DYNC1H1):c.4037T>C (p.Met1346Thr)

Gene: DYNC1H1 (dynein cytoplasmic 1 heavy chain 1; plus strand). Cytogenetic location: 14q32.31.
Variant type: single nucleotide variant.
Coding change: c.4037T>C on transcript NM_001376.5 (MANE Select); coding-DNA position 4037, T replaced by C.
Protein change: p.Met1346Thr; replaces methionine 1346 with threonine.
Molecular consequence: missense variant.
Genome position (GRCh38, 1-based): chr14:102,000,362, T>C. VCF-style: chr14-102000362-T-C. GRCh37 (hg19) VCF-style: chr14-102466699-T-C.
Other names: short protein forms M1346T.
Identifiers: ClinVar variation 2132979 (VCV002132979.4), dbSNP rs2503727308, ClinGen allele CA391039335.

ClinVar aggregate classification (germline): Uncertain significance (1 of 4 stars; one submission).

Conditions:
Charcot-Marie-Tooth disease axonal type 2O. Also called: CHARCOT-MARIE-TOOTH NEUROPATHY, AXONAL, TYPE 2O; CHARCOT-MARIE-TOOTH DISEASE, AXONAL, AUTOSOMAL DOMINANT, TYPE 2O; Charcot-Marie-Tooth disease, axonal, type 20; Charcot-Marie-Tooth Neuropathy Type 2O. Identifiers: Orphanet 284232, MedGen C3280220, MONDO:0013644, OMIM 614228.

Submission:

Labcorp Genetics (formerly Invitae), Labcorp
Classification: Uncertain significance for Charcot-Marie-Tooth disease axonal type 2O. Last evaluated: 2022-05-02. Review status: criteria provided, single submitter. Criteria: Invitae Variant Classification Sherloc (09022015). Collection method: clinical testing. Allele origin: germline.
Comment: In summary, the available evidence is currently insufficient to determine the role of this variant in disease. Therefore, it has been classified as a Variant of Uncertain Significance. Advanced modeling of protein sequence and biophysical properties (such as structural, functional, and spatial information, amino acid conservation, physicochemical variation, residue mobility, and thermodynamic stability) performed at Invitae indicates that this missense variant is not expected to disrupt DYNC1H1 protein function. This variant has not been reported in the literature in individuals affected with DYNC1H1-related conditions. This variant is not present in population databases (gnomAD no frequency). This sequence change replaces methionine, which is neutral and non-polar, with threonine, which is neutral and polar, at codon 1346 of the DYNC1H1 protein (p.Met1346Thr).